The following is an entry in ClinVar:

ClinVar aggregate classification (germline): Pathogenic (1 of 4 stars; one submission).

Submission:

Labcorp Genetics (formerly Invitae), Labcorp
Classification: Pathogenic. Last evaluated: 2023-06-06. Review status: criteria provided, single submitter. Criteria: Invitae Variant Classification Sherloc (09022015). Collection method: clinical testing. Allele origin: unknown.
Comment: For these reasons, this variant has been classified as Pathogenic. This variant has not been reported in the literature in individuals affected with AQP2-related conditions. A gross deletion of the genomic region encompassing the full coding sequence of the AQP2 gene has been identified. Loss-of-function variants in AQP2 are known to be pathogenic (PMID: 9024277, 27156763). The boundaries of this event are unknown as they extend beyond the assayed region for this gene and therefore may encompass additional genes.

Literature cited by the submitters: PubMed 9024277; PubMed 27156763.

NC_000012.11:g.(?_50344614)_(50349391_?)del

Gene: AQP2 (aquaporin 2; plus strand). Cytogenetic location: 12q13.12.
Variant type: Deletion.
Identifiers: ClinVar variation 3244351 (VCV003244351.1).